The following is an entry in ClinVar:

ClinVar aggregate classification (germline): Conflicting classifications of pathogenicity. Review status: criteria provided, conflicting classifications (1 of 4 stars). 2 submissions from 2 submitters: Likely pathogenic (1); Uncertain significance (1). Last evaluated 2021-05-06.

Conditions:
PKD1-related disorder. Also called: PKD1-related condition.
Polycystic kidney disease, adult type (PKD1). Also called: Polycystic Kidney, Autosomal Dominant; POLYCYSTIC KIDNEY DISEASE, ADULT, TYPE I; Polycystic Kidney Disease 1, Autosomal Dominant; Polycystic kidney disease 1; Polycystic kidney disease 1, severe; POLYCYSTIC KIDNEY DISEASE 1 WITH OR WITHOUT POLYCYSTIC LIVER DISEASE. Identifiers: MedGen C3149841, MONDO:0008263, OMIM 173900.

Submissions (2):

Blueprint Genetics
Classification: Likely pathogenic for PKD1-related disorders. Last evaluated: 2021-05-06. Review status: criteria provided, single submitter. Criteria: ACMG Guidelines, 2015. Collection method: clinical testing. Allele origin: germline. Affected: yes. Observed: 1 variant allele.

Juno Genomics, Hangzhou Juno Genomics, Inc
Classification: Uncertain significance for Polycystic kidney disease, adult type. Review status: criteria provided, single submitter. Criteria: ACMG Guidelines, 2015. Collection method: clinical testing. Allele origin: germline. Affected: yes.
Comment: Absent from controls (or at extremely low frequency if recessive) in Genome Aggregation Database.;The prevalence of the variant in affected individuals is significantly increased compared to the prevalence in controls.;Patient's phenotype or family history is highly specific for a disease with a single genetic etiology.

NM_001009944.3(PKD1):c.2053G>A (p.Glu685Lys)

Gene: PKD1 (polycystin 1, transient receptor potential channel interacting; minus strand). Cytogenetic location: 16p13.3.
Variant type: single nucleotide variant.
Coding change: c.2053G>A on transcript NM_001009944.3 (MANE Select); coding-DNA position 2053, G replaced by A.
Protein change: p.Glu685Lys; replaces glutamic acid 685 with lysine.
Molecular consequence: missense variant.
Genome position (GRCh38, 1-based): chr16:2,115,422, C>T on the plus strand (G>A on the coding strand, the complement: PKD1 is on the minus strand). VCF-style: chr16-2115422-C-T. GRCh37 (hg19) VCF-style: chr16-2165423-C-T.
Other names: c.2053G>A, p.Glu685Lys (NM_000296.4); short protein forms E685K.
Identifiers: ClinVar variation 4927968 (VCV004927968.2).